The following is an entry in ClinVar:

ClinVar aggregate classification (germline): Uncertain significance (1 of 4 stars; one submission).

Allele frequency attached by ClinVar (database versions not stated): TOPMed below 0.00001.

Submission:

Labcorp Genetics (formerly Invitae), Labcorp
Classification: Uncertain significance. Last evaluated: 2024-04-17. Review status: criteria provided, single submitter. Criteria: Invitae Variant Classification Sherloc (09022015). Collection method: clinical testing. Allele origin: germline.
Comment: This sequence change replaces cysteine, which is neutral and slightly polar, with tryptophan, which is neutral and slightly polar, at codon 2 of the NTHL1 protein (p.Cys2Trp). This variant is not present in population databases (gnomAD no frequency). This variant has not been reported in the literature in individuals affected with NTHL1-related conditions. ClinVar contains an entry for this variant (Variation ID: 2119878). An algorithm developed to predict the effect of missense changes on protein structure and function (PolyPhen-2) suggests that this variant is likely to be disruptive. In summary, the available evidence is currently insufficient to determine the role of this variant in disease. Therefore, it has been classified as a Variant of Uncertain Significance.

NC_000016.10:g.2047842A>C

Genes: NTHL1 (nth like DNA glycosylase 1; minus strand), LOC130058209 (ATAC-STARR-seq lymphoblastoid active region 10253; plus strand). Cytogenetic location: 16p13.3.
Variant type: single nucleotide variant.
Genome position: GRCh38 VCF-style: chr16-2047842-A-C. GRCh37 (hg19) VCF-style: chr16-2097843-A-C.
Identifiers: ClinVar variation 2119878 (VCV002119878.4), dbSNP rs2084533444, ClinGen allele CA394298918.